The following is an entry in ClinVar:

NC_000011.9:g.(?_88045536)_(88070840_?)del

Gene: CTSC (cathepsin C; minus strand). Cytogenetic location: 11q14.2.
Variant type: Deletion.
Identifiers: ClinVar variation 3244632 (VCV003244632.1).

ClinVar aggregate classification (germline): Pathogenic (1 of 4 stars; one submission).

Conditions:
Periodontitis, aggressive. Identifiers: MedGen C0031106, MONDO:0980757.
Haim-Munk syndrome (HMS). Also called: COCHIN JEWISH DISORDER; KERATOSIS PALMOPLANTARIS WITH PERIODONTOPATHIA AND ONYCHOGRYPOSIS. Identifiers: Orphanet 2342, MedGen C1855627, MONDO:0009491, OMIM 245010.
Papillon-Lefèvre syndrome (PALS). Also called: KERATOSIS PALMOPLANTARIS WITH PERIODONTOPATHIA; Papillon-Lefevre Disease. Identifiers: Orphanet 678, MedGen C0030360, MONDO:0009490, OMIM 245000.

Submission:

Labcorp Genetics (formerly Invitae), Labcorp
Classification: Pathogenic for Haim-Munk syndrome; Periodontitis, aggressive; Papillon-Lefèvre syndrome. Last evaluated: 2024-01-11. Review status: criteria provided, single submitter. Criteria: Invitae Variant Classification Sherloc (09022015). Collection method: clinical testing. Allele origin: unknown.
Comment: This variant is a gross deletion of the genomic region encompassing exon(s) 1-3 of the CTSC gene, which includes the initiator codon. This deletion extends beyond the assayed region for this gene and therefore may encompass additional genes. It is expected to result in an absent or disrupted protein product. Loss-of-function variants in CTSC are known to be pathogenic (PMID: 10662808, 11106356, 11886537). This variant has not been reported in the literature in individuals affected with CTSC-related conditions. For these reasons, this variant has been classified as Pathogenic.

Literature cited by the submitters: PubMed 10662808; PubMed 11106356; PubMed 11886537.